The following is an entry in ClinVar:

ClinVar aggregate classification (germline): Pathogenic. Review status: criteria provided, multiple submitters, no conflicts (2 of 4 stars). 2 submissions from 2 submitters: Pathogenic (2). Last evaluated 2025-03-13.

Conditions:
DICER1-related tumor predisposition. Also called: DICER1-related pleuropulmonary blastoma cancer predisposition syndrome; DICER1 syndrome. Identifiers: Orphanet 284343, MedGen C3839822, MONDO:0100216.
Hereditary cancer-predisposing syndrome. Also called: Hereditary neoplastic syndrome; Neoplastic Syndromes, Hereditary; Hereditary Cancer Syndrome; Tumor predisposition. Identifiers: Orphanet 140162, MedGen C0027672, MeSH D009386, MONDO:0015356.

Submissions (2):

Labcorp Genetics (formerly Invitae), Labcorp
Classification: Pathogenic for DICER1-related tumor predisposition. Last evaluated: 2025-03-13. Review status: criteria provided, single submitter. Criteria: Invitae Variant Classification Sherloc (09022015). Collection method: clinical testing. Allele origin: germline.
Comment: This sequence change creates a premature translational stop signal (p.Glu1564Trpfs*9) in the DICER1 gene. It is expected to result in an absent or disrupted protein product. Loss-of-function variants in DICER1 are known to be pathogenic (PMID: 19556464, 21266384). This variant is not present in population databases (gnomAD no frequency). This variant has not been reported in the literature in individuals affected with DICER1-related conditions. For these reasons, this variant has been classified as Pathogenic.

Ambry Genetics
Classification: Pathogenic for Hereditary cancer-predisposing syndrome. Last evaluated: 2024-09-13. Review status: criteria provided, single submitter. Criteria: Ambry Variant Classification Scheme 2023. Collection method: clinical testing. Allele origin: germline.
Comment: The c.4688_4689dupTG pathogenic mutation, located in coding exon 22 of the DICER1 gene, results from a duplication of TG at nucleotide position 4688, causing a translational frameshift with a predicted alternate stop codon (p.E1564Wfs*9). This variant is considered to be rare based on population cohorts in the Genome Aggregation Database (gnomAD). This alteration is expected to result in loss of function by premature protein truncation or nonsense-mediated mRNA decay. As such, this alteration is interpreted as a disease-causing mutation.

Literature cited by the submitters: PubMed 19556464 (cited by Labcorp Genetics (formerly Invitae), Labcorp); PubMed 21266384 (cited by Labcorp Genetics (formerly Invitae), Labcorp).

NM_177438.3(DICER1):c.4688_4689dup (p.Glu1564fs)

Gene: DICER1 (dicer 1, ribonuclease III; minus strand). Cytogenetic location: 14q32.13.
Variant type: Microsatellite.
Coding change: c.4688_4689dup on transcript NM_177438.3 (MANE Select); coding-DNA positions 4688 to 4689, 2 bases duplicated (TG; older notation c.4688_4689dupTG).
Protein change: p.Glu1564fs; shifts the reading frame from glutamic acid 1564.
Molecular consequence: frameshift variant. On other transcripts: non-coding transcript variant (6).
Genome position (GRCh38, 1-based): chr14:95,096,231-95,096,232, CA duplicated on the plus strand (TG on the coding strand, the reverse complement: DICER1 is on the minus strand); duplicating any 2 consecutive bases within chr14:95,096,231-95,096,236 gives the same sequence; the c. name uses the placement nearest the transcript's 3' end. VCF-style (leftmost placement, unchanged base first): chr14-95096230-C-CCA. GRCh37 (hg19) VCF-style: chr14-95562567-C-CCA.
Other names: c.4688_4689dup, p.Glu1564fs (NM_001395679.1, NM_001395680.1, NM_001395682.1 and 12 more transcripts); c.4684_4685TG[4], p.Glu1564Trpfs (NM_001395681.1, NM_177438.2); c.4406_4407dup, p.Glu1470fs (NM_001395686.1); c.4283_4284dup, p.Glu1429fs (NM_001395687.1, NM_001395688.1, NM_001395696.1 and 2 more transcripts); c.3005_3006dup, p.Glu1003fs (NM_001395697.1); c.4121_4122dup, p.Glu1375fs (NM_001395691.1); c.4688_4689dupTG (NM_177438.2); short protein forms E1375fs, E1429fs, E1470fs, E1003fs, E1564fs.
Identifiers: ClinVar variation 2716875 (VCV002716875.4), dbSNP rs2542489725, ClinGen allele CA2697554165.